The following is an entry in ClinVar:

ClinVar aggregate classification (germline): Uncertain significance. Review status: criteria provided, multiple submitters, no conflicts (2 of 4 stars). 2 submissions from 2 submitters: Uncertain significance (2). Last evaluated 2025-08-08.

Conditions:
Inborn genetic diseases. Identifiers: MedGen C0950123, MeSH D030342.
Nemaline myopathy 10 (NEM10). Identifiers: MedGen C4015360, MONDO:0014513, OMIM 616165.

gnomAD v4.1: 31 of 1,612,104 alleles (0.0019%); highest among the groups gnomAD compares: Non-Finnish European, 0.0024%; no homozygotes.

Submissions (2):

Ambry Genetics
Classification: Uncertain significance for Inborn genetic diseases. Last evaluated: 2025-08-08. Review status: criteria provided, single submitter. Criteria: Ambry Variant Classification Scheme 2023. Collection method: clinical testing. Allele origin: germline.

Labcorp Genetics (formerly Invitae), Labcorp
Classification: Uncertain significance for Nemaline myopathy 10. Last evaluated: 2022-04-28. Review status: criteria provided, single submitter. Criteria: Invitae Variant Classification Sherloc (09022015). Collection method: clinical testing. Allele origin: germline.
Comment: This sequence change replaces aspartic acid, which is acidic and polar, with asparagine, which is neutral and polar, at codon 15 of the LMOD3 protein (p.Asp15Asn). The frequency data for this variant in the population databases is considered unreliable, as metrics indicate poor data quality at this position in the gnomAD database. This variant has not been reported in the literature in individuals affected with LMOD3-related conditions. Algorithms developed to predict the effect of missense changes on protein structure and function (SIFT, PolyPhen-2, Align-GVGD) all suggest that this variant is likely to be tolerated. In summary, the available evidence is currently insufficient to determine the role of this variant in disease. Therefore, it has been classified as a Variant of Uncertain Significance.

NM_198271.5(LMOD3):c.43G>A (p.Asp15Asn)

Genes: LMOD3 (leiomodin 3; minus strand), LOC126806710 (CDK7 strongly-dependent group 2 enhancer GRCh37_chr3:69170601-69171800; plus strand). Cytogenetic location: 3p14.1.
Variant type: single nucleotide variant.
Coding change: c.43G>A on transcript NM_198271.5 (MANE Select); coding-DNA position 43, G replaced by A.
Protein change: p.Asp15Asn; replaces aspartic acid 15 with asparagine.
Molecular consequence: missense variant.
Genome position (GRCh38, 1-based): chr3:69,122,344, C>T on the plus strand (G>A on the coding strand, the complement: LMOD3 is on the minus strand). VCF-style: chr3-69122344-C-T. GRCh37 (hg19) VCF-style: chr3-69171495-C-T.
Other names: c.43G>A, p.Asp15Asn (NM_001304418.3); c.43G>A (NM_198271.3); short protein forms D15N.
Identifiers: ClinVar variation 2194135 (VCV002194135.2), dbSNP rs762330680, ClinGen allele CA2489091.